The following is an entry in ClinVar:

NM_001170629.2(CHD8):c.4378C>T (p.Arg1460Ter)

Gene: CHD8 (chromodomain helicase DNA binding protein 8; minus strand). Cytogenetic location: 14q11.2.
Variant type: single nucleotide variant.
Coding change: c.4378C>T on transcript NM_001170629.2 (MANE Select); coding-DNA position 4378, C replaced by T.
Protein change: p.Arg1460Ter; replaces arginine 1460 with a stop codon.
Molecular consequence: nonsense.
Genome position (GRCh38, 1-based): chr14:21,400,605, G>A on the plus strand (C>T on the coding strand, the complement: CHD8 is on the minus strand). VCF-style: chr14-21400605-G-A. GRCh37 (hg19) VCF-style: chr14-21868764-G-A.
Other names: c.3541C>T, p.Arg1181Ter (NM_020920.4); short protein forms R1181*, R1460*.
Identifiers: ClinVar variation 488481 (VCV000488481.36), dbSNP rs1454466097, ClinGen allele CA388894481.

ClinVar aggregate classification (germline): Pathogenic. Review status: criteria provided, multiple submitters, no conflicts (2 of 4 stars). 3 submissions from 3 submitters: Pathogenic (3). Last evaluated 2026-03-02.

Conditions:
Intellectual developmental disorder with autism and macrocephaly. Also called: CHD8-Related Neurodevelopmental Disorder with Overgrowth; Autism, susceptibility to, 18. Identifiers: Orphanet 642675, MedGen C3554373, MONDO:0014017, OMIM 615032.
Autism spectrum disorder. Also called: Autism spectrum disorders. Identifiers: MedGen C1510586, MeSH D000067877, MONDO:0005258.

Allele frequency attached by ClinVar (database versions not stated): TOPMed below 0.00001; gnomAD 0.00001.

Submissions (3):

GeneDx
Classification: Pathogenic. Last evaluated: 2026-03-02. Review status: criteria provided, single submitter. Criteria: GeneDx Variant Classification Process June 2021. Collection method: clinical testing. Allele origin: germline.
Comment: Nonsense variant predicted to result in protein truncation or nonsense mediated decay in a gene for which loss of function is a known mechanism of disease; Not observed at significant frequency in large population cohorts (gnomAD); This variant is associated with the following publications: (PMID: 33619735)

CeGaT Center for Human Genetics Tuebingen
Classification: Pathogenic. Last evaluated: 2022-06-01. Review status: criteria provided, single submitter. Criteria: CeGaT Center For Human Genetics Tuebingen Variant Classification Criteria Version 2. Collection method: clinical testing. Allele origin: germline. Affected: yes. Observed: 1 variant allele.
Comment: CHD8: PVS1, PM2, PS2:Moderate

Institute of Human Genetics Munich, TUM University Hospital
Classification: Pathogenic for Intellectual developmental disorder with autism and macrocephaly. Last evaluated: 2017-09-08. Review status: criteria provided, single submitter. Criteria: Classification criteria August 2017. Collection method: clinical testing. Allele origin: de novo. Inheritance: Autosomal dominant inheritance. Affected: yes. Observed: 1 heterozygote.